The following is an entry in ClinVar:

NM_001046.3(SLC12A2):c.953-7C>T

Gene: SLC12A2 (solute carrier family 12 member 2; plus strand). Cytogenetic location: 5q23.3.
Variant type: single nucleotide variant.
Coding change: c.953-7C>T on transcript NM_001046.3 (MANE Select); 7 bases into the intron before coding-DNA position 953, C replaced by T.
Molecular consequence: intron variant.
Genome position (GRCh38, 1-based): chr5:128,114,579, C>T. VCF-style: chr5-128114579-C-T. GRCh37 (hg19) VCF-style: chr5-127450271-C-T.
Other names: c.953-7C>T (NM_001256461.2).
Identifiers: ClinVar variation 1335592 (VCV001335592.41), dbSNP rs201608609, ClinGen allele CA3392956.

ClinVar aggregate classification (germline): Conflicting classifications of pathogenicity. Review status: criteria provided, conflicting classifications (1 of 4 stars). 3 submissions from 3 submitters: Uncertain significance (1); Benign (1); Likely benign (1). Last evaluated 2025-08-23.

Conditions:
Kilquist syndrome (KILQS). Also called: SLC12A2-related autosomal recessive neonatal-developmental delay-intellectual disability-feeding difficulty-sensorineural deafness syndrome. Identifiers: Orphanet 633021, MedGen C5436756, MONDO:0033664, OMIM 619080.
Hearing loss, autosomal dominant 78. Also called: DEAFNESS, AUTOSOMAL DOMINANT 78. Identifiers: MedGen C5436768, MONDO:0033665, OMIM 619081.
Delpire-McNeill syndrome. Also called: SLC12A2-related autosomal dominant infantile-developmental delay-intellectual disability-sensorineural deafness syndrome. Identifiers: Orphanet 633024, MedGen C5436771, MONDO:0033667, OMIM 619083.

Allele frequency attached by ClinVar (database versions not stated): gnomAD 0.00041 and 0.00044; TOPMed 0.00041; ESP Exome Variant Server 0.00069; gnomAD exomes 0.00096.
gnomAD v4.1: 1,404 of 1,578,314 alleles (0.089%); highest among the groups gnomAD compares: Non-Finnish European, 0.12%; 1 homozygote.

Submissions (3):

Labcorp Genetics (formerly Invitae), Labcorp
Classification: Benign. Last evaluated: 2025-08-23. Review status: criteria provided, single submitter. Criteria: Invitae Variant Classification Sherloc (09022015). Collection method: clinical testing. Allele origin: germline.

CeGaT Center for Human Genetics Tuebingen
Classification: Uncertain significance. Last evaluated: 2023-02-01. Review status: criteria provided, single submitter. Criteria: CeGaT Center For Human Genetics Tuebingen Variant Classification Criteria Version 2. Collection method: clinical testing. Allele origin: germline. Affected: yes. Observed: 2 variant alleles.
Comment: SLC12A2: PM2, BP4

Fulgent Genetics
Classification: Likely benign for Kilquist syndrome; Hearing loss, autosomal dominant 78; Delpire-McNeill syndrome. Last evaluated: 2021-11-16. Review status: criteria provided, single submitter. Criteria: ACMG Guidelines, 2015. Collection method: clinical testing. Allele origin: unknown.